The following is an entry in ClinVar:

NM_001242.5(CD27):c.329G>T (p.Trp110Leu)

Genes: CD27-AS1 (CD27 antisense RNA 1; minus strand), CD27 (CD27 molecule; plus strand). Cytogenetic location: 12p13.31.
Variant type: single nucleotide variant.
Coding change: c.329G>T on transcript NM_001242.5 (MANE Select); coding-DNA position 329, G replaced by T.
Protein change: p.Trp110Leu; replaces tryptophan 110 with leucine.
Molecular consequence: missense variant.
Genome position (GRCh38, 1-based): chr12:6,450,233, G>T. VCF-style: chr12-6450233-G-T. GRCh37 (hg19) VCF-style: chr12-6559399-G-T.
Other names: c.422G>T, p.Trp141Leu (NM_001413263.1); c.302G>T, p.Trp101Leu (NM_001413264.1); c.-122G>T (NM_001413266.1, NM_001413267.1, NM_001413268.1); short protein forms W141L, W110L, W101L.
Identifiers: ClinVar variation 2111507 (VCV002111507.4), dbSNP rs2498136759, ClinGen allele CA383549610.

ClinVar aggregate classification (germline): Uncertain significance (1 of 4 stars; one submission).

Conditions:
Lymphoproliferative syndrome 2 (LPFS2). Also called: Combined immunodeficiency due to CD27 deficiency; CD27 DEFICIENCY. Identifiers: Orphanet 238505, MedGen C3554540, MONDO:0014054, OMIM 615122.

Submission:

Labcorp Genetics (formerly Invitae), Labcorp
Classification: Uncertain significance for Lymphoproliferative syndrome 2. Last evaluated: 2023-12-18. Review status: criteria provided, single submitter. Criteria: Invitae Variant Classification Sherloc (09022015). Collection method: clinical testing. Allele origin: germline.
Comment: This sequence change replaces tryptophan, which is neutral and slightly polar, with leucine, which is neutral and non-polar, at codon 110 of the CD27 protein (p.Trp110Leu). This variant is not present in population databases (gnomAD no frequency). This variant has not been reported in the literature in individuals affected with CD27-related conditions. ClinVar contains an entry for this variant (Variation ID: 2111507). Advanced modeling of protein sequence and biophysical properties (such as structural, functional, and spatial information, amino acid conservation, physicochemical variation, residue mobility, and thermodynamic stability) performed at Invitae indicates that this missense variant is not expected to disrupt CD27 protein function with a negative predictive value of 80%. In summary, the available evidence is currently insufficient to determine the role of this variant in disease. Therefore, it has been classified as a Variant of Uncertain Significance.